The following is an entry in ClinVar:

ClinVar aggregate classification (germline): Uncertain significance (1 of 4 stars; one submission).

Allele frequency attached by ClinVar (database versions not stated): TOPMed below 0.00001.
gnomAD v4.1: 1 of 1,613,902 alleles (0.000062%); highest among the groups gnomAD compares: Non-Finnish European, 0.000085%; no homozygotes.

Submission:

Labcorp Genetics (formerly Invitae), Labcorp
Classification: Uncertain significance. Last evaluated: 2022-05-25. Review status: criteria provided, single submitter. Criteria: Invitae Variant Classification Sherloc (09022015). Collection method: clinical testing. Allele origin: germline.
Comment: In summary, the available evidence is currently insufficient to determine the role of this variant in disease. Therefore, it has been classified as a Variant of Uncertain Significance. Algorithms developed to predict the effect of missense changes on protein structure and function are either unavailable or do not agree on the potential impact of this missense change (SIFT: "Deleterious"; PolyPhen-2: "Benign"; Align-GVGD: "Class C0"). This variant has not been reported in the literature in individuals affected with SARS2-related conditions. This variant is not present in population databases (gnomAD no frequency). This sequence change replaces glutamine, which is neutral and polar, with arginine, which is basic and polar, at codon 429 of the SARS2 protein (p.Gln429Arg).

NM_017827.4(SARS2):c.1286A>G (p.Gln429Arg)

Gene: SARS2 (seryl-tRNA synthetase 2, mitochondrial; minus strand). Cytogenetic location: 19q13.2.
Variant type: single nucleotide variant.
Coding change: c.1286A>G on transcript NM_017827.4 (MANE Select); coding-DNA position 1286, A replaced by G.
Protein change: p.Gln429Arg; replaces glutamine 429 with arginine.
Molecular consequence: missense variant.
Genome position (GRCh38, 1-based): chr19:38,916,098, T>C on the plus strand (A>G on the coding strand, the complement: SARS2 is on the minus strand). VCF-style: chr19-38916098-T-C. GRCh37 (hg19) VCF-style: chr19-39406738-T-C.
Other names: c.1292A>G, p.Gln431Arg (NM_001145901.2); short protein forms Q429R, Q431R.
Identifiers: ClinVar variation 2148539 (VCV002148539.4), dbSNP rs764154009, ClinGen allele CA405735722.